The following is an entry in ClinVar:

ClinVar aggregate classification (germline): Pathogenic (1 of 4 stars; one submission).

Conditions:
Primary ciliary dyskinesia. Also called: Ciliary dyskinesia. Identifiers: Orphanet 244, MedGen C0008780, MONDO:0016575, HP:0012265.

Submission:

Labcorp Genetics (formerly Invitae), Labcorp
Classification: Pathogenic for Primary ciliary dyskinesia. Last evaluated: 2023-06-15. Review status: criteria provided, single submitter. Criteria: Invitae Variant Classification Sherloc (09022015). Collection method: clinical testing. Allele origin: germline.
Comment: This sequence change creates a premature translational stop signal (p.Gln52*) in the DNAI2 gene. It is expected to result in an absent or disrupted protein product. Loss-of-function variants in DNAI2 are known to be pathogenic (PMID: 18950741, 23891469). This variant is not present in population databases (gnomAD no frequency). This variant has not been reported in the literature in individuals affected with DNAI2-related conditions. For these reasons, this variant has been classified as Pathogenic.

Literature cited by the submitters: PubMed 18950741; PubMed 23891469.

NM_023036.6(DNAI2):c.154C>T (p.Gln52Ter)

Gene: DNAI2 (dynein axonemal intermediate chain 2; plus strand). Cytogenetic location: 17q25.1.
Variant type: single nucleotide variant.
Coding change: c.154C>T on transcript NM_023036.6 (MANE Select); coding-DNA position 154, C replaced by T.
Protein change: p.Gln52Ter; replaces glutamine 52 with a stop codon.
Molecular consequence: nonsense. On other transcripts: non-coding transcript variant (1).
Genome position (GRCh38, 1-based): chr17:74,281,971, C>T. VCF-style: chr17-74281971-C-T. GRCh37 (hg19) VCF-style: chr17-72278110-C-T.
Other names: c.154C>T, p.Gln52Ter (NM_001172810.3, NM_001353167.2); short protein forms Q52*.
Identifiers: ClinVar variation 2715796 (VCV002715796.3), dbSNP rs2509682200, ClinGen allele CA400912377.